The following is an entry in ClinVar:

NM_002661.5(PLCG2):c.3683G>T (p.Arg1228Leu)

Gene: PLCG2 (phospholipase C gamma 2; plus strand). Cytogenetic location: 16q23.3.
Variant type: single nucleotide variant.
Coding change: c.3683G>T on transcript NM_002661.5 (MANE Select); coding-DNA position 3683, G replaced by T.
Protein change: p.Arg1228Leu; replaces arginine 1228 with leucine.
Molecular consequence: missense variant.
Genome position (GRCh38, 1-based): chr16:81,956,807, G>T. VCF-style: chr16-81956807-G-T. GRCh37 (hg19) VCF-style: chr16-81990412-G-T.
Other names: short protein forms R1228L.
Identifiers: ClinVar variation 1716622 (VCV001716622.5), dbSNP rs547594293, ClinGen allele CA285204836.
Genomic context (GRCh38, chr16:81,956,807, plus strand): 5'-AAGAACTGAACAACCAGCTCTTTCTGTATGACACACACCAGAACTTGCGCAATGCCAACC[G>T]GGATGCCCTGGTTAAAGAGTTCAGTGTTAATGAGAACCAGCTCCAGCTGTACCAGGAGAA-3'
Protein context (NP_002652.2, residues 1218-1238): DTHQNLRNAN[Arg1228Leu]DALVKEFSVN

ClinVar aggregate classification (germline): Uncertain significance (1 of 4 stars; one submission).

Conditions:
Familial cold autoinflammatory syndrome 3 (FCAS3). Also called: ANTIBODY DEFICIENCY AND IMMUNE DYSREGULATION, PLCG2-ASSOCIATED; FAMILIAL ATYPICAL COLD URTICARIA. Identifiers: Orphanet 300359, MedGen C3280914, MONDO:0013766, OMIM 614468.

Submission:

Labcorp Genetics (formerly Invitae), Labcorp
Classification: Uncertain significance for Familial cold autoinflammatory syndrome 3. Last evaluated: 2022-09-24. Review status: criteria provided, single submitter. Criteria: Invitae Variant Classification Sherloc (09022015). Collection method: clinical testing. Allele origin: germline.
Comment: In summary, the available evidence is currently insufficient to determine the role of this variant in disease. Therefore, it has been classified as a Variant of Uncertain Significance. Algorithms developed to predict the effect of missense changes on protein structure and function (SIFT, PolyPhen-2, Align-GVGD) all suggest that this variant is likely to be tolerated. This variant has not been reported in the literature in individuals affected with PLCG2-related conditions. This variant is not present in population databases (gnomAD no frequency). This sequence change replaces arginine, which is basic and polar, with leucine, which is neutral and non-polar, at codon 1228 of the PLCG2 protein (p.Arg1228Leu).